The following is an entry in ClinVar:

NM_001371928.1(AHDC1):c.2720C>T (p.Ala907Val)

Gene: AHDC1 (AT-hook DNA binding motif containing 1; minus strand). Cytogenetic location: 1p36.11.
Variant type: single nucleotide variant.
Coding change: c.2720C>T on transcript NM_001371928.1 (MANE Select); coding-DNA position 2720, C replaced by T.
Protein change: p.Ala907Val; replaces alanine 907 with valine.
Molecular consequence: missense variant.
Genome position (GRCh38, 1-based): chr1:27,549,396, G>A on the plus strand (C>T on the coding strand, the complement: AHDC1 is on the minus strand). VCF-style: chr1-27549396-G-A. GRCh37 (hg19) VCF-style: chr1-27875907-G-A.
Other names: c.2720C>T, p.Ala907Val (NM_001029882.3); c.2720C>T (NM_001029882.2); short protein forms A907V.
Identifiers: ClinVar variation 1946476 (VCV001946476.8), dbSNP rs762764228, ClinGen allele CA715714.
Genomic context (GRCh38, chr1:27,549,396, plus strand): 5'-GCTGCTCGTCCTGGTGGGAAGGTCTGGCGCGCGGACAGGACAGGCTGAAAGGAGGGGTCC[G>A]CCCCAGCCCCGCTGCTACCCACTGCCACTGGGCTGGCCTTGGCTCCCCGGCTAGGGAAGG-3'
Protein context (NP_001358857.1, residues 897-917): PVAVGSSGAG[Ala907Val]DPSFQPVLSA

ClinVar aggregate classification (germline): Conflicting classifications of pathogenicity. Review status: criteria provided, conflicting classifications (1 of 4 stars). 4 submissions from 4 submitters: Uncertain significance (1); Likely benign (2). 1 of the submissions does not count toward it. Last evaluated 2025-07-21.

Conditions:
Inborn genetic diseases. Identifiers: MedGen C0950123, MeSH D030342.
AHDC1-related disorder. Also called: AHDC1-related condition.

Allele frequency attached by ClinVar (database versions not stated): ExAC 0.00002; gnomAD 0.00002; gnomAD exomes 0.00002; TOPMed 0.00003.
gnomAD v4.1: 29 of 1,612,632 alleles (0.0018%); highest among the groups gnomAD compares: Non-Finnish European, 0.0022%; no homozygotes.

Submissions (4):

Labcorp Genetics (formerly Invitae), Labcorp
Classification: Uncertain significance. Last evaluated: 2025-07-21. Review status: criteria provided, single submitter. Criteria: Invitae Variant Classification Sherloc (09022015). Collection method: clinical testing. Allele origin: germline.
Comment: This sequence change replaces alanine, which is neutral and non-polar, with valine, which is neutral and non-polar, at codon 907 of the AHDC1 protein (p.Ala907Val). This variant is present in population databases (rs762764228, gnomAD 0.005%). This variant has not been reported in the literature in individuals affected with AHDC1-related conditions. ClinVar contains an entry for this variant (Variation ID: 1946476). An algorithm developed to predict the effect of missense changes on protein structure and function (PolyPhen-2) suggests that this variant is likely to be disruptive. In summary, the available evidence is currently insufficient to determine the role of this variant in disease. Therefore, it has been classified as a Variant of Uncertain Significance.

Blueprint Genetics
Classification: Likely benign. Last evaluated: 2024-08-20. Review status: criteria provided, single submitter. Criteria: ACMG Guidelines, 2015. Collection method: clinical testing. Allele origin: germline.

Ambry Genetics
Classification: Likely benign for Inborn genetic diseases. Last evaluated: 2023-09-29. Review status: criteria provided, single submitter. Criteria: Ambry Variant Classification Scheme 2023. Collection method: clinical testing. Allele origin: germline.

PreventionGenetics, part of Exact Sciences
Classification: Uncertain significance for AHDC1-related condition. Last evaluated: 2024-05-20. Review status: no assertion criteria provided. Collection method: clinical testing. Allele origin: germline. Not counted in ClinVar's aggregate classification.
Comment: The AHDC1 c.2720C>T variant is predicted to result in the amino acid substitution p.Ala907Val. To our knowledge, this variant has not been reported in the literature. This variant is reported in 0.0045% of alleles in individuals of European (Non-Finnish) descent in gnomAD. At this time, the clinical significance of this variant is uncertain due to the absence of conclusive functional and genetic evidence.